The following is an entry in ClinVar:

ClinVar aggregate classification (germline): Conflicting classifications of pathogenicity. Review status: criteria provided, conflicting classifications (1 of 4 stars). 3 submissions from 3 submitters: Uncertain significance (1); Likely benign (2). Last evaluated 2025-06-11.

Conditions:
Inborn genetic diseases. Identifiers: MedGen C0950123, MeSH D030342.
Nail-patella syndrome (NPS). Also called: ONYCHOOSTEODYSPLASIA; TURNER-KIESER SYNDROME; FONG DISEASE. Identifiers: Orphanet 2614, MedGen C0027341, MONDO:0008061, OMIM 161200.
Nail-patella-like renal disease. Also called: Focal Segmental Glomerulosclerosis 10; GLOMERULAR BASEMENT MEMBRANE DISEASE, NAIL-PATELLA SYNDROME TYPE. Identifiers: Orphanet 2613, MedGen C0403548, MONDO:0009724, OMIM 256020.

Allele frequency attached by ClinVar (database versions not stated): gnomAD 0.00004; gnomAD exomes 0.00004; TOPMed 0.00004; 1000 Genomes Project 30x 0.00016; 1000 Genomes Project 0.00020.

Submissions (3):

Labcorp Genetics (formerly Invitae), Labcorp
Classification: Uncertain significance. Last evaluated: 2025-06-11. Review status: criteria provided, single submitter. Criteria: Invitae Variant Classification Sherloc (09022015). Collection method: clinical testing. Allele origin: germline.
Comment: This sequence change replaces arginine, which is basic and polar, with tryptophan, which is neutral and slightly polar, at codon 292 of the LMX1B protein (p.Arg292Trp). The frequency data for this variant in the population databases is considered unreliable, as metrics indicate poor data quality at this position in the gnomAD database. This variant has not been reported in the literature in individuals affected with LMX1B-related conditions. ClinVar contains an entry for this variant (Variation ID: 1006393). Invitae Evidence Modeling of protein sequence and biophysical properties (such as structural, functional, and spatial information, amino acid conservation, physicochemical variation, residue mobility, and thermodynamic stability) indicates that this missense variant is not expected to disrupt LMX1B protein function with a negative predictive value of 80%. In summary, the available evidence is currently insufficient to determine the role of this variant in disease. Therefore, it has been classified as a Variant of Uncertain Significance.

Ambry Genetics
Classification: Likely benign for Inborn genetic diseases. Last evaluated: 2025-05-14. Review status: criteria provided, single submitter. Criteria: Ambry Variant Classification Scheme 2023. Collection method: clinical testing. Allele origin: germline.

Fulgent Genetics
Classification: Likely benign for Nail-patella syndrome; Nail-patella-like renal disease. Last evaluated: 2024-04-21. Review status: criteria provided, single submitter. Criteria: ACMG Guidelines, 2015. Collection method: clinical testing. Allele origin: germline.

NM_001174147.2(LMX1B):c.874C>T (p.Arg292Trp)

Gene: LMX1B (LIM homeobox transcription factor 1 beta; plus strand). Cytogenetic location: 9q33.3.
Variant type: single nucleotide variant.
Coding change: c.874C>T on transcript NM_001174147.2 (MANE Select); coding-DNA position 874, C replaced by T.
Protein change: p.Arg292Trp; replaces arginine 292 with tryptophan.
Molecular consequence: missense variant.
Genome position (GRCh38, 1-based): chr9:126,693,800, C>T. VCF-style: chr9-126693800-C-T. GRCh37 (hg19) VCF-style: chr9-129456079-C-T.
Other names: c.874C>T (NM_002316.3); c.874C>T, p.Arg292Trp (NM_001174146.2, NM_002316.4); short protein forms R292W.
Identifiers: ClinVar variation 1006393 (VCV001006393.10), dbSNP rs560914000, ClinGen allele CA199814043.